The following is an entry in ClinVar:

ClinVar aggregate classification (germline): Uncertain significance (1 of 4 stars; one submission).

Conditions:
Ataxia-telangiectasia syndrome (AT). Also called: Cerebello-oculocutaneous telangiectasia; Immunodeficiency with ataxia telangiectasia; Ataxia-telangiectasia, complementation group E; LOUIS-BAR SYNDROME; Ataxia telangiectasia (A-T); AT, COMPLEMENTATION GROUP C. Identifiers: Orphanet 100, MedGen C0004135, MONDO:0008840, OMIM 208900.

Submission:

Labcorp Genetics (formerly Invitae), Labcorp
Classification: Uncertain significance for Ataxia-telangiectasia syndrome. Last evaluated: 2023-11-08. Review status: criteria provided, single submitter. Criteria: Invitae Variant Classification Sherloc (09022015). Collection method: clinical testing. Allele origin: germline.
Comment: This sequence change replaces alanine, which is neutral and non-polar, with valine, which is neutral and non-polar, at codon 623 of the ATM protein (p.Ala623Val). This variant is not present in population databases (gnomAD no frequency). This variant has not been reported in the literature in individuals affected with ATM-related conditions. Algorithms developed to predict the effect of missense changes on protein structure and function output the following: SIFT: "Not Available"; PolyPhen-2: "Benign"; Align-GVGD: "Not Available". The valine amino acid residue is found in multiple mammalian species, which suggests that this missense change does not adversely affect protein function. In summary, the available evidence is currently insufficient to determine the role of this variant in disease. Therefore, it has been classified as a Variant of Uncertain Significance.

NM_000051.4(ATM):c.1868C>T (p.Ala623Val)

Gene: ATM (ATM serine/threonine kinase; plus strand). Cytogenetic location: 11q22.3.
Variant type: single nucleotide variant.
Coding change: c.1868C>T on transcript NM_000051.4 (MANE Select); coding-DNA position 1868, C replaced by T.
Protein change: p.Ala623Val; replaces alanine 623 with valine.
Molecular consequence: missense variant.
Genome position (GRCh38, 1-based): chr11:108,252,882, C>T. VCF-style: chr11-108252882-C-T. GRCh37 (hg19) VCF-style: chr11-108123609-C-T.
Other names: c.1868C>T, p.Ala623Val (NM_001351834.2); short protein forms A623V.
Identifiers: ClinVar variation 2694308 (VCV002694308.3), dbSNP rs2135354486, ClinGen allele CA382535955.